The following is an entry in ClinVar:

ClinVar aggregate classification (germline): Benign. Review status: criteria provided, multiple submitters, no conflicts (2 of 4 stars). 7 submissions from 7 submitters: Benign (7). Last evaluated 2026-01-19.

Conditions:
Alzheimer disease. Also called: Presenile and senile dementia; Alzheimer's disease. Identifiers: Orphanet 1020, MedGen C0002395, MeSH D000544, MONDO:0004975, HP:0002511.

Allele frequency attached by ClinVar (database versions not stated): gnomAD exomes 0.00235 and 0.00607; ExAC 0.00740; gnomAD 0.02318 and 0.02492; 1000 Genomes Project 0.02476; ESP Exome Variant Server 0.02591; 1000 Genomes Project 30x 0.02623; TOPMed 0.02625.
gnomAD v4.1: 7,063 of 1,614,066 alleles (0.44%); highest among the groups gnomAD compares: African/African-American, 8.1%; 233 homozygotes.

Submissions (7):

Labcorp Genetics (formerly Invitae), Labcorp
Classification: Benign for Alzheimer disease. Last evaluated: 2026-01-19. Review status: criteria provided, single submitter. Criteria: Invitae Variant Classification Sherloc (09022015). Collection method: clinical testing. Allele origin: germline.

ARUP Laboratories, Molecular Genetics and Genomics, ARUP Laboratories
Classification: Benign. Last evaluated: 2023-10-16. Review status: criteria provided, single submitter. Criteria: ARUP Molecular Germline Variant Investigation Process 2024. Collection method: clinical testing. Allele origin: germline.

Mayo Clinic Laboratories, Mayo Clinic
Classification: Benign. Last evaluated: 2023-06-19. Review status: criteria provided, single submitter. Criteria: ACMG Guidelines, 2015. Collection method: clinical testing. Allele origin: germline. Observed: 3 variant alleles.

GeneDx
Classification: Benign. Last evaluated: 2018-11-16. Review status: criteria provided, single submitter. Criteria: GeneDx Variant Classification Process June 2021. Collection method: clinical testing. Allele origin: germline. Affected: yes.

Illumina Laboratory Services, Illumina
Classification: Benign for Alzheimer disease type 1. Last evaluated: 2018-01-13. Review status: criteria provided, single submitter. Criteria: ICSL Variant Classification Criteria 13 December 2019. Collection method: clinical testing. Allele origin: germline.
Comment: This variant was observed in the ICSL laboratory as part of a predisposition screen in an ostensibly healthy population. It had not been previously curated by ICSL or reported in the Human Gene Mutation Database (HGMD: prior to June 1st, 2018), and was therefore a candidate for classification through an automated scoring system. Utilizing variant allele frequency, disease prevalence and penetrance estimates, and inheritance mode, an automated score was calculated to assess if this variant is too frequent to cause the disease. Based on the score and internal cut-off values, a variant classified as benign is not then subjected to further curation. The score for this variant resulted in a classification of benign for this disease.

Athena Diagnostics
Classification: Benign. Last evaluated: 2017-08-31. Review status: criteria provided, single submitter. Criteria: Athena Diagnostics Criteria. Collection method: clinical testing. Allele origin: germline.

Breakthrough Genomics
Classification: Benign. Review status: criteria provided, single submitter. Criteria: ACMG Guidelines, 2015. Collection method: not provided. Allele origin: germline. Inheritance: Autosomal dominant inheritance. Affected: yes.

NM_000484.4(APP):c.1614T>C (p.Tyr538=)

Gene: APP (amyloid beta precursor protein; minus strand). Cytogenetic location: 21q21.3.
Variant type: single nucleotide variant.
Coding change: c.1614T>C on transcript NM_000484.4 (MANE Select); coding-DNA position 1614, T replaced by C.
Protein change: p.Tyr538=; no amino-acid change (tyrosine 538 retained).
Molecular consequence: synonymous variant.
Genome position (GRCh38, 1-based): chr21:25,954,663, A>G on the plus strand (T>C on the coding strand, the complement: APP is on the minus strand). VCF-style: chr21-25954663-A-G. GRCh37 (hg19) VCF-style: chr21-27326977-A-G.
Other names: p.Tyr538=; c.1542T>C, p.Tyr514= (NM_001136016.3); c.1221T>C, p.Tyr407= (NM_001136129.3); c.1446T>C, p.Tyr482= (NM_001136130.3, NM_001385253.1); c.1284T>C, p.Tyr428= (NM_001136131.3); c.1614T>C, p.Tyr538= (NM_001204301.2); c.1557T>C, p.Tyr519= (NM_001204302.2, NM_201413.3); c.1389T>C, p.Tyr463= (NM_001204303.2, NM_201414.3).
Identifiers: ClinVar variation 339636 (VCV000339636.24), dbSNP rs45537238, ClinGen allele CA9987249.